The following is an entry in ClinVar:

NM_017780.4(CHD7):c.6689A>C (p.Lys2230Thr)

Gene: CHD7 (chromodomain helicase DNA binding protein 7; plus strand). Cytogenetic location: 8q12.2.
Variant type: single nucleotide variant.
Coding change: c.6689A>C on transcript NM_017780.4 (MANE Select); coding-DNA position 6689, A replaced by C.
Protein change: p.Lys2230Thr; replaces lysine 2230 with threonine.
Molecular consequence: missense variant. On other transcripts: intron variant (1).
Genome position (GRCh38, 1-based): chr8:60,853,414, A>C. VCF-style: chr8-60853414-A-C. GRCh37 (hg19) VCF-style: chr8-61765973-A-C.
Other names: c.1717-8815A>C (NM_001316690.1); short protein forms K2230T.
Identifiers: ClinVar variation 4746302 (VCV004746302.1).

ClinVar aggregate classification (germline): Uncertain significance (1 of 4 stars; one submission).

Conditions:
CHARGE syndrome (CHARGE). Also called: Hittner Hirsch Kreh syndrome; CHARGE ASSOCIATION--COLOBOMA, HEART ANOMALY, CHOANAL ATRESIA, RETARDATION, GENITAL AND EAR ANOMALIES; Coloboma, heart anomaly, choanal atresia, retardation, genital and ear anomalies; CHARGE association; Hall-Hittner syndrome. Identifiers: Orphanet 138, MedGen C0265354, MONDO:0008965.

gnomAD v4.1: 1 of 1,525,150 alleles (0.000066%); highest among the groups gnomAD compares: Non-Finnish European, 0.000088%; no homozygotes.

Submission:

Labcorp Genetics (formerly Invitae), Labcorp
Classification: Uncertain significance for CHARGE syndrome. Last evaluated: 2025-04-21. Review status: criteria provided, single submitter. Criteria: Invitae Variant Classification Sherloc (09022015). Collection method: clinical testing. Allele origin: germline.
Comment: This sequence change replaces lysine, which is basic and polar, with threonine, which is neutral and polar, at codon 2230 of the CHD7 protein (p.Lys2230Thr). This variant is not present in population databases (gnomAD no frequency). This variant has not been reported in the literature in individuals affected with CHD7-related conditions. Invitae Evidence Modeling of protein sequence and biophysical properties (such as structural, functional, and spatial information, amino acid conservation, physicochemical variation, residue mobility, and thermodynamic stability) indicates that this missense variant is not expected to disrupt CHD7 protein function with a negative predictive value of 95%. In summary, the available evidence is currently insufficient to determine the role of this variant in disease. Therefore, it has been classified as a Variant of Uncertain Significance.